The following is an entry in ClinVar:

NC_000023.11:g.(?_31679365)_(31836829_?)del

Gene: DMD (dystrophin; minus strand). Cytogenetic location: Xp21.1.
Variant type: Deletion.
Identifiers: ClinVar variation 657903 (VCV000657903.1).

ClinVar aggregate classification (germline): Pathogenic (1 of 4 stars; one submission).

Conditions:
Duchenne muscular dystrophy (DMD). Also called: MUSCULAR DYSTROPHY, PSEUDOHYPERTROPHIC PROGRESSIVE, DUCHENNE TYPE; Duchenne Muscular Dystrophy (DMD). Identifiers: Orphanet 98896, MedGen C0013264, MONDO:0010679, OMIM 310200.

Submission:

Labcorp Genetics (formerly Invitae), Labcorp
Classification: Pathogenic for Duchenne muscular dystrophy. Last evaluated: 2018-11-05. Review status: criteria provided, single submitter. Criteria: Invitae Variant Classification Sherloc (09022015). Collection method: clinical testing. Allele origin: germline.
Comment: This variant is an in-frame deletion of the genomic region encompassing exons 49-53 of the DMD gene. It preserves the integrity of the reading frame. A similar deletion of exons 49-53 has been reported in an individual affected with a DMD-related muscular dystrophy (PMID: 20847377). Sub-genic deletion of exon 49 has been determined to be pathogenic (PMID: 26081009, 27854212, 28610567). Therefore, deletions that fully encompass that region are also expected to be pathogenic. For these reasons, this variant has been classified as Pathogenic.

Literature cited by the submitters: PubMed 28610567; PubMed 20847377; PubMed 26081009; PubMed 27854212.